The following is an entry in ClinVar:

ClinVar aggregate classification (germline): Uncertain significance (1 of 4 stars; one submission).

Allele frequency attached by ClinVar (database versions not stated): TOPMed below 0.00001.
gnomAD v4.1: 15 of 1,613,680 alleles (0.00093%); highest among the groups gnomAD compares: African/African-American, 0.0067%; 1 homozygote.

Submission:

Laboratory for Molecular Medicine, Mass General Brigham Personalized Medicine
Classification: Uncertain significance. Last evaluated: 2014-02-27. Review status: criteria provided, single submitter. Criteria: LMM Criteria. Collection method: clinical testing. Allele origin: germline. Observed: 3 variant alleles.
Comment: The Thr3462Ile variant in TTN has been previously identified by our laboratory i n 1 child with DCM, dysmorphic features and failure to thrive and one adult with HCM. This variant has not been observed in large population studies. Conservati on data and computational tool prediction of pathogenicity are limited to unavai lable for this variant. Therefore, the clinical significance of the Thr3462Ile v ariant cannot be determined at this time.

NM_001267550.2(TTN):c.10523C>T (p.Thr3508Ile)

Gene: TTN (titin; minus strand). Cytogenetic location: 2q31.2.
Variant type: single nucleotide variant.
Coding change: c.10523C>T on transcript NM_001267550.2 (MANE Select); coding-DNA position 10523, C replaced by T.
Protein change: p.Thr3508Ile; replaces threonine 3508 with isoleucine.
Molecular consequence: missense variant. On other transcripts: intron variant (5).
Genome position (GRCh38, 1-based): chr2:178,757,697, G>A on the plus strand (C>T on the coding strand, the complement: TTN is on the minus strand). VCF-style: chr2-178757697-G-A. GRCh37 (hg19) VCF-style: chr2-179622424-G-A.
Other names: c.10385C>T, p.Thr3462Ile (NM_133432.3); c.10165+1287C>T (NM_003319.4); c.10166-900C>T (NM_133437.4); c.10303+1287C>T (NM_133378.4, NM_001256850.1, NM_133379.5); short protein forms T3508I, T3462I.
Identifiers: ClinVar variation 47805 (VCV000047805.5), dbSNP rs397517823, ClinGen allele CA141935.
Genomic context (GRCh38, chr2:178,757,697, plus strand): 5'-TCAACTATAAGCATTAAAGCCATGCCTGTGGACTCCTCAAAATGGAAAACTACATCTTTT[G>A]TTGGTAGAATTAGCTGCTGGTTATGAAACCATTGGATTTCTGGCTTGGGAATGCCAGAAA-3'
Protein context (NP_001254479.2, residues 3498-3518): WFHNQQLILP[Thr3508Ile]KDVVFHFEES